The following is an entry in ClinVar:

NM_001110556.2(FLNA):c.4143-1G>T

Gene: FLNA (filamin A; minus strand). Cytogenetic location: Xq28.
Variant type: single nucleotide variant.
Coding change: c.4143-1G>T on transcript NM_001110556.2 (MANE Select); the canonical splice acceptor site of the intron before coding-DNA position 4143, G replaced by T.
Molecular consequence: splice acceptor variant.
Genome position (GRCh38, 1-based): chrX:154,359,407, C>A on the plus strand (G>T on the coding strand, the complement: FLNA is on the minus strand). VCF-style: chrX-154359407-C-A. GRCh37 (hg19) VCF-style: chrX-153587775-C-A.
Other names: c.4143-1G>T (NM_001456.4).
Identifiers: ClinVar variation 464989 (VCV000464989.8), dbSNP rs1557177485, ClinGen allele CA415219093.

ClinVar aggregate classification (germline): Likely pathogenic (1 of 4 stars; one submission).

Conditions:
Heterotopia, periventricular, X-linked dominant (PVNH1). Also called: PERIVENTRICULAR NODULAR HETEROTOPIA 1; X-linked periventricular heterotopia; PERIVENTRICULAR NODULAR HETEROTOPIA 4; HETEROTOPIA, PERIVENTRICULAR, 1. Identifiers: Orphanet 2149, Orphanet 82004, MedGen C1848213, MONDO:0010233, OMIM 300049.
Oto-palato-digital syndrome, type II (OPD2). Also called: FACIOPALATOOSSEOUS SYNDROME; OPD II SYNDROME; Otopalatodigital Syndrome Type 2 (FLNA-OPD2); Otopalatodigital Syndrome, Type II. Identifiers: Orphanet 669, Orphanet 90652, MedGen C1844696, MONDO:0010571, OMIM 304120.
Frontometaphyseal dysplasia (FMD1). Identifiers: Orphanet 1826, MedGen C0265293, MONDO:0015942.
Melnick-Needles syndrome (MNS). Also called: MELNICK-NEEDLES OSTEODYSPLASTY; OSTEODYSPLASTY OF MELNICK AND NEEDLES; Melnick-Needles Syndrome (FLNA-MNS). Identifiers: Orphanet 2484, MedGen C0025237, MONDO:0010650, OMIM 309350.

Submission:

Labcorp Genetics (formerly Invitae), Labcorp
Classification: Likely pathogenic for Oto-palato-digital syndrome, type II; Heterotopia, periventricular, X-linked dominant; Frontometaphyseal dysplasia; Melnick-Needles syndrome. Last evaluated: 2022-06-20. Review status: criteria provided, single submitter. Criteria: Invitae Variant Classification Sherloc (09022015). Collection method: clinical testing. Allele origin: germline.
Comment: In summary, the currently available evidence indicates that the variant is pathogenic, but additional data are needed to prove that conclusively. Therefore, this variant has been classified as Likely Pathogenic. Algorithms developed to predict the effect of sequence changes on RNA splicing suggest that this variant may disrupt the consensus splice site. ClinVar contains an entry for this variant (Variation ID: 464989). This variant has not been reported in the literature in individuals affected with FLNA-related conditions. This variant is not present in population databases (gnomAD no frequency). This sequence change affects an acceptor splice site in intron 24 of the FLNA gene. It is expected to disrupt RNA splicing. Variants that disrupt the donor or acceptor splice site typically lead to a loss of protein function (PMID: 16199547), and loss-of-function variants in FLNA are known to be pathogenic (PMID: 16684786, 20730588, 26471271).

Literature cited by the submitters: PubMed 16199547; PubMed 16684786; PubMed 20730588; PubMed 26471271.